The following is an entry in ClinVar:

NM_001379200.1(TBX1):c.1410_1448del (p.Ala473_Ala485del)

Gene: TBX1 (T-box transcription factor 1; plus strand). Cytogenetic location: 22q11.21.
Variant type: Deletion.
Coding change: c.1410_1448del on transcript NM_001379200.1 (MANE Select); coding-DNA positions 1410 to 1448, 39 bases deleted.
Protein change: p.Ala473_Ala485del.
Molecular consequence: inframe deletion. On other transcripts: intron variant (2).
Genome position (GRCh38, 1-based): chr22:19,766,762-19,766,800, 39 bases deleted; deleting any 39 consecutive bases within chr22:19,766,761-19,766,800 gives the same sequence; the c. name uses the placement nearest the transcript's 3' end. GRCh37 (hg19): chr22:19,754,285-19,754,323.
Other names: c.1383_1421del, p.Ala464_Ala476del (NM_080647.1); c.1009+760_1009+798del (NM_005992.1, NM_080646.2); c.1383_1421del39 (NM_080647.1).
Identifiers: ClinVar variation 833916 (VCV000833916.14), dbSNP rs764911027, ClinGen allele CA10102743.

ClinVar aggregate classification (germline): Conflicting classifications of pathogenicity. Review status: criteria provided, conflicting classifications (1 of 4 stars). 5 submissions from 5 submitters: Uncertain significance (1); Likely benign (3). 1 of the submissions does not count toward it. Last evaluated 2026-08-01.

Conditions:
DiGeorge syndrome. Also called: Catch22; THIRD AND FOURTH PHARYNGEAL POUCH SYNDROME. Identifiers: Orphanet 567, MedGen C0012236, MONDO:0008564, OMIM 188400.
TBX1-related disorder. Also called: TBX1-Related Disorders; TBX1-related condition.

Submissions (5):

CeGaT Center for Human Genetics Tuebingen
Classification: Likely benign. Last evaluated: 2026-08-01. Review status: criteria provided, single submitter. Criteria: CeGaT Center For Human Genetics Tuebingen Variant Classification Criteria Version 2. Collection method: clinical testing. Allele origin: germline. Affected: yes. Observed: 1 variant allele.
Comment: TBX1: BS1

Labcorp Genetics (formerly Invitae), Labcorp
Classification: Likely benign for DiGeorge syndrome. Last evaluated: 2025-12-10. Review status: criteria provided, single submitter. Criteria: Invitae Variant Classification Sherloc (09022015). Collection method: clinical testing. Allele origin: germline.

Blueprint Genetics
Classification: Likely benign. Last evaluated: 2024-05-27. Review status: criteria provided, single submitter. Criteria: ACMG Guidelines, 2015. Collection method: clinical testing. Allele origin: germline.

GeneDx
Classification: Uncertain significance. Last evaluated: 2021-07-19. Review status: criteria provided, single submitter. Criteria: GeneDx Variant Classification Process June 2021. Collection method: clinical testing. Allele origin: germline. Affected: yes.
Comment: Not observed at significant frequency in large population cohorts (Lek et al., 2016); In silico analysis supports a deleterious effect on protein structure/function; In-frame deletion of 13 amino acids in a repetitive region with no known function; Has not been previously published as pathogenic or benign to our knowledge; This variant is associated with the following publications: (PMID: 27535533)

PreventionGenetics, part of Exact Sciences
Classification: Likely benign for TBX1-related condition. Last evaluated: 2023-09-14. Review status: no assertion criteria provided. Collection method: clinical testing. Allele origin: germline. Not counted in ClinVar's aggregate classification.
Comment: This variant is classified as likely benign based on ACMG/AMP sequence variant interpretation guidelines (Richards et al. 2015 PMID: 25741868, with internal and published modifications).